The following is an entry in ClinVar:

ClinVar aggregate classification (germline): Uncertain significance (1 of 4 stars; one submission).

Allele frequency attached by ClinVar (database versions not stated): gnomAD 0.00017 and 0.00019; 1000 Genomes Project 0.00020; 1000 Genomes Project 30x 0.00031; TOPMed 0.00040.
gnomAD v4.1: 85 of 1,613,686 alleles (0.0053%); highest among the groups gnomAD compares: Admixed American, 0.095%; no homozygotes.

Submission:

Labcorp Genetics (formerly Invitae), Labcorp
Classification: Uncertain significance. Last evaluated: 2025-10-10. Review status: criteria provided, single submitter. Criteria: Invitae Variant Classification Sherloc (09022015). Collection method: clinical testing. Allele origin: germline.
Comment: This sequence change replaces arginine, which is basic and polar, with leucine, which is neutral and non-polar, at codon 167 of the ARHGEF1 protein (p.Arg167Leu). This variant is present in population databases (rs200573860, gnomAD 0.08%), and has an allele count higher than expected for a pathogenic variant. This variant has not been reported in the literature in individuals affected with ARHGEF1-related conditions. ClinVar contains an entry for this variant (Variation ID: 1366919). An algorithm developed to predict the effect of missense changes on protein structure and function (PolyPhen-2) suggests that this variant is likely to be tolerated. In summary, the available evidence is currently insufficient to determine the role of this variant in disease. Therefore, it has been classified as a Variant of Uncertain Significance.

NM_004706.4(ARHGEF1):c.455G>T (p.Arg152Leu)

Gene: ARHGEF1 (Rho guanine nucleotide exchange factor 1; plus strand). Cytogenetic location: 19q13.2.
Variant type: single nucleotide variant.
Coding change: c.455G>T on transcript NM_004706.4 (MANE Select); coding-DNA position 455, G replaced by T.
Protein change: p.Arg152Leu; replaces arginine 152 with leucine.
Molecular consequence: missense variant.
Genome position (GRCh38, 1-based): chr19:41,892,690, G>T. VCF-style: chr19-41892690-G-T. GRCh37 (hg19) VCF-style: chr19-42396761-G-T.
Other names: c.356G>T, p.Arg119Leu (NM_198977.2); c.500G>T, p.Arg167Leu (NM_199002.2); short protein forms R167L, R119L, R152L.
Identifiers: ClinVar variation 1366919 (VCV001366919.6), dbSNP rs200573860, ClinGen allele CA9465920.